The following is an entry in ClinVar:

NM_148919.4(PSMB8):c.422G>A (p.Arg141Gln)

Gene: PSMB8 (proteasome 20S subunit beta 8; minus strand). Cytogenetic location: 6p21.32.
Variant type: single nucleotide variant.
Coding change: c.422G>A on transcript NM_148919.4 (MANE Select); coding-DNA position 422, G replaced by A.
Protein change: p.Arg141Gln; replaces arginine 141 with glutamine.
Molecular consequence: missense variant.
Genome position (GRCh38, 1-based): chr6:32,842,249, C>T on the plus strand (G>A on the coding strand, the complement: PSMB8 is on the minus strand). VCF-style: chr6-32842249-C-T. GRCh37 (hg19) VCF-style: chr6-32810026-C-T.
Other names: c.410G>A, p.Arg137Gln (NM_004159.5); short protein forms R137Q, R141Q.
Identifiers: ClinVar variation 1009278 (VCV001009278.6), dbSNP rs1181818643, ClinGen allele CA363589013.

ClinVar aggregate classification (germline): Uncertain significance (1 of 4 stars; one submission).

Conditions:
Proteasome-associated autoinflammatory syndrome 1 (PRAAS1). Also called: Nakajo syndrome; JOINT CONTRACTURES, MUSCULAR ATROPHY, MICROCYTIC ANEMIA, AND PANNICULITIS-INDUCED LIPODYSTROPHY; JMP SYNDROME; AUTOINFLAMMATION, LIPODYSTROPHY, AND DERMATOSIS SYNDROME; NAKAJO-NISHIMURA SYNDROME; CHRONIC ATYPICAL NEUTROPHILIC DERMATOSIS WITH LIPODYSTROPHY AND ELEVATED TEMPERATURE SYNDROME. Identifiers: Orphanet 2615, Orphanet 324977, Orphanet 324999, Orphanet 325004, MedGen C4746851, MONDO:0054698, OMIM 256040.

Allele frequency attached by ClinVar (database versions not stated): gnomAD exomes below 0.00001; TOPMed below 0.00001; gnomAD 0.00001.

Submission:

Labcorp Genetics (formerly Invitae), Labcorp
Classification: Uncertain significance for Proteosome-associated autoinflammatory syndrome. Last evaluated: 2021-08-27. Review status: criteria provided, single submitter. Criteria: Invitae Variant Classification Sherloc (09022015). Collection method: clinical testing. Allele origin: germline.
Comment: This sequence change replaces arginine with glutamine at codon 141 of the PSMB8 protein (p.Arg141Gln). The arginine residue is highly conserved and there is a small physicochemical difference between arginine and glutamine. This variant is not present in population databases (ExAC no frequency). This variant has not been reported in the literature in individuals affected with PSMB8-related conditions. Algorithms developed to predict the effect of missense changes on protein structure and function (SIFT, PolyPhen-2, Align-GVGD) all suggest that this variant is likely to be disruptive. In summary, the available evidence is currently insufficient to determine the role of this variant in disease. Therefore, it has been classified as a Variant of Uncertain Significance.